The following is an entry in ClinVar:

ClinVar aggregate classification (germline): Uncertain significance. Review status: criteria provided, multiple submitters, no conflicts (2 of 4 stars). 2 submissions from 2 submitters: Uncertain significance (2). Last evaluated 2025-03-20.

gnomAD v4.1: 51 of 1,611,896 alleles (0.0032%); highest among the groups gnomAD compares: African/African-American, 0.0013%; no homozygotes.

Submissions (2):

Revvity Omics, Revvity
Classification: Uncertain significance. Last evaluated: 2025-03-20. Review status: criteria provided, single submitter. Criteria: ACMG Guidelines, 2015. Collection method: clinical testing. Allele origin: germline.

GeneDx
Classification: Uncertain significance. Last evaluated: 2024-02-21. Review status: criteria provided, single submitter. Criteria: GeneDx Variant Classification Process June 2021. Collection method: clinical testing. Allele origin: germline. Affected: yes.
Comment: Has not been previously published as pathogenic or benign to our knowledge; In silico analysis supports that this missense variant has a deleterious effect on protein structure/function

NM_005689.4(ABCB6):c.68T>C (p.Leu23Pro)

Gene: ABCB6 (ATP binding cassette subfamily B member 6 (LAN blood group); minus strand). Cytogenetic location: 2q35.
Variant type: single nucleotide variant.
Coding change: c.68T>C on transcript NM_005689.4 (MANE Select); coding-DNA position 68, T replaced by C.
Protein change: p.Leu23Pro; replaces leucine 23 with proline.
Molecular consequence: missense variant.
Genome position (GRCh38, 1-based): chr2:219,218,606, A>G on the plus strand (T>C on the coding strand, the complement: ABCB6 is on the minus strand). VCF-style: chr2-219218606-A-G. GRCh37 (hg19) VCF-style: chr2-220083328-A-G.
Other names: c.68T>C, p.Leu23Pro (NM_001349828.2); short protein forms L23P.
Identifiers: ClinVar variation 3369540 (VCV003369540.2).
Genomic context (GRCh38, chr2:219,218,606, plus strand): 5'-GCCAGAGTCCCCAGAGCCATCCGCGTCGAGGGCACGAGCGTGAAGAAGAAGCAGGGACTC[A>G]GGCCATCCTGCATCCAGGCCGGACCCACGGGCCCTTCGGCCTCGCAGTAGTTGCCCACAG-3'
Protein context (NP_005680.1, residues 13-33): PVGPAWMQDG[Leu23Pro]SPCFFFTLVP